The following is an entry in ClinVar:

NM_017763.6(RNF43):c.2125A>T (p.Arg709Trp)

Gene: RNF43 (ring finger protein 43; minus strand). Cytogenetic location: 17q22.
Variant type: single nucleotide variant.
Coding change: c.2125A>T on transcript NM_017763.6 (MANE Select); coding-DNA position 2125, A replaced by T.
Protein change: p.Arg709Trp; replaces arginine 709 with tryptophan.
Molecular consequence: missense variant.
Genome position (GRCh38, 1-based): chr17:58,357,651, T>A on the plus strand (A>T on the coding strand, the complement: RNF43 is on the minus strand). VCF-style: chr17-58357651-T-A. GRCh37 (hg19) VCF-style: chr17-56435012-T-A.
Other names: c.2125A>T, p.Arg709Trp (NM_001305544.3, NM_001438820.1, NM_001438821.1 and 1 more transcripts); c.1744A>T, p.Arg582Trp (NM_001305545.2, NM_001437987.1); short protein forms R582W, R709W.
Identifiers: ClinVar variation 4155761 (VCV004155761.1).
Genomic context (GRCh38, chr17:58,357,651, plus strand): 5'-GGCACAACCACACTGGCTGTGAATTTGAGTAACAGGGGCCTGGGGTTTCTGGTAGCAGCC[T>A]CTTGTCCAGGCCTGGAGGTCCACAGATCAAGGGGTGTGCCTCTGGGGACCAAGGATATGC-3'
Protein context (NP_060233.3, residues 699-719): LICGPPGLDK[Arg709Trp]LLPETPGPCY

ClinVar aggregate classification (germline): Uncertain significance (1 of 4 stars; one submission).

Submission:

Ambry Genetics
Classification: Uncertain significance. Last evaluated: 2025-07-25. Review status: criteria provided, single submitter. Criteria: Ambry Variant Classification Scheme 2023. Collection method: clinical testing. Allele origin: germline.
Comment: The p.R709W variant (also known as c.2125A>T), located in coding exon 8 of the RNF43 gene, results from an A to T substitution at nucleotide position 2125. The arginine at codon 709 is replaced by tryptophan, an amino acid with dissimilar properties. This amino acid position is conserved. In addition, this alteration is predicted to be tolerated by in silico analysis. Based on the available evidence, the clinical significance of this variant remains unclear.